The following is an entry in ClinVar:

ClinVar aggregate classification (germline): Uncertain significance. Review status: criteria provided, multiple submitters, no conflicts (2 of 4 stars). 3 submissions from 3 submitters: Uncertain significance (3). Last evaluated 2022-09-22.

Conditions:
Inborn genetic diseases. Identifiers: MedGen C0950123, MeSH D030342.
Isolated microphthalmia 2. Identifiers: Orphanet 2542, MedGen C1864720, MONDO:0012409, OMIM 610093.

Allele frequency attached by ClinVar (database versions not stated): ESP Exome Variant Server 0.00008; gnomAD 0.00012 and 0.00014; TOPMed 0.00021.
gnomAD v4.1: 94 of 1,602,980 alleles (0.0059%); highest among the groups gnomAD compares: African/African-American, 0.025%; 1 homozygote.

Submissions (3):

Ambry Genetics
Classification: Uncertain significance for Inborn genetic diseases. Last evaluated: 2022-09-22. Review status: criteria provided, single submitter. Criteria: Ambry Variant Classification Scheme 2023. Collection method: clinical testing. Allele origin: germline.

Labcorp Genetics (formerly Invitae), Labcorp
Classification: Uncertain significance for Isolated microphthalmia 2. Last evaluated: 2022-08-28. Review status: criteria provided, single submitter. Criteria: Invitae Variant Classification Sherloc (09022015). Collection method: clinical testing. Allele origin: germline.
Comment: This sequence change replaces arginine, which is basic and polar, with histidine, which is basic and polar, at codon 274 of the VSX2 protein (p.Arg274His). This variant is present in population databases (rs369647679, gnomAD 0.03%), including at least one homozygous and/or hemizygous individual. This variant has not been reported in the literature in individuals affected with VSX2-related conditions. ClinVar contains an entry for this variant (Variation ID: 593873). Algorithms developed to predict the effect of missense changes on protein structure and function are either unavailable or do not agree on the potential impact of this missense change (SIFT: "Deleterious"; PolyPhen-2: "Benign"; Align-GVGD: "Class C0"). In summary, the available evidence is currently insufficient to determine the role of this variant in disease. Therefore, it has been classified as a Variant of Uncertain Significance.

Eurofins Ntd Llc (ga)
Classification: Uncertain significance. Last evaluated: 2017-09-14. Review status: criteria provided, single submitter. Criteria: EGL Classification Definitions 2015. Collection method: clinical testing. Allele origin: germline. Observed: 1 variant allele, 1 heterozygote.

NM_182894.3(VSX2):c.821G>A (p.Arg274His)

Gene: VSX2 (visual system homeobox 2; plus strand). Cytogenetic location: 14q24.3.
Variant type: single nucleotide variant.
Coding change: c.821G>A on transcript NM_182894.3 (MANE Select); coding-DNA position 821, G replaced by A.
Protein change: p.Arg274His; replaces arginine 274 with histidine.
Molecular consequence: missense variant.
Genome position (GRCh38, 1-based): chr14:74,260,654, G>A. VCF-style: chr14-74260654-G-A. GRCh37 (hg19) VCF-style: chr14-74727357-G-A.
Other names: short protein forms R274H.
Identifiers: ClinVar variation 593873 (VCV000593873.8), dbSNP rs369647679, ClinGen allele CA7266470.